The following is an entry in ClinVar:

NM_007118.4(TRIO):c.3262del (p.Leu1088fs)

Gene: TRIO (trio Rho guanine nucleotide exchange factor; plus strand). Cytogenetic location: 5p15.2.
Variant type: Deletion.
Coding change: c.3262del on transcript NM_007118.4 (MANE Select); coding-DNA position 3262, one base deleted (C; older notation c.3262delC).
Protein change: p.Leu1088fs; shifts the reading frame from leucine 1088.
Molecular consequence: frameshift variant. On other transcripts: non-coding transcript variant (1).
Genome position (GRCh38, 1-based): chr5:14,374,274, C deleted; the last of 2 consecutive C bases (chr5:14,374,273-14,374,274); deleting either gives the same sequence. VCF-style (leftmost placement, unchanged base first): chr5-14374272-AC-A. GRCh37 (hg19) VCF-style: chr5-14374381-AC-A.
Other names: short protein forms L1088fs.
Identifiers: ClinVar variation 523976 (VCV000523976.2), dbSNP rs1554065893, ClinGen allele CA658796507.

ClinVar aggregate classification (germline): Pathogenic (1 of 4 stars; one submission).

Submission:

GeneDx
Classification: Pathogenic. Last evaluated: 2018-03-15. Review status: criteria provided, single submitter. Criteria: GeneDx Variant Classification (06012015). Collection method: clinical testing. Allele origin: germline. Affected: yes.
Comment: The c.3262delC variant in the TRIO gene has not been reported previously as a pathogenic variant nor as a benign variant, to our knowledge. The c.3262delC variant causes a frameshift starting with codon Leucine 1088, changes this amino acid to a Cysteine residue, and creates a premature Stop codon at position 6 of the new reading frame, denoted p.Leu1088CysfsX6. This variant is predicted to cause loss of normal protein function either through protein truncation or nonsense-mediated mRNA decay. The c.3262delC variant is not observed in large population cohorts (Lek et al., 2016). We interpret c.3262delC as a pathogenic variant.